The following is an entry in ClinVar:

ClinVar aggregate classification (germline): Uncertain significance (1 of 4 stars; one submission).

Allele frequency attached by ClinVar (database versions not stated): gnomAD 0.00003.
gnomAD v4.1: 13 of 1,345,076 alleles (0.00097%); highest among the groups gnomAD compares: South Asian, 0.0019%; no homozygotes.

Submission:

Labcorp Genetics (formerly Invitae), Labcorp
Classification: Uncertain significance. Last evaluated: 2024-09-05. Review status: criteria provided, single submitter. Criteria: Invitae Variant Classification Sherloc (09022015). Collection method: clinical testing. Allele origin: germline.
Comment: This sequence change replaces proline, which is neutral and non-polar, with leucine, which is neutral and non-polar, at codon 532 of the MAGEL2 protein (p.Pro532Leu). This variant is present in population databases (no rsID available, gnomAD 0.03%). This variant has not been reported in the literature in individuals affected with MAGEL2-related conditions. Invitae Evidence Modeling of protein sequence and biophysical properties (such as structural, functional, and spatial information, amino acid conservation, physicochemical variation, residue mobility, and thermodynamic stability) indicates that this missense variant is not expected to disrupt MAGEL2 protein function with a negative predictive value of 80%. In summary, the available evidence is currently insufficient to determine the role of this variant in disease. Therefore, it has been classified as a Variant of Uncertain Significance.

NM_019066.5(MAGEL2):c.1595C>T (p.Pro532Leu)

Gene: MAGEL2 (MAGE family member L2; minus strand). Cytogenetic location: 15q11.2.
Variant type: single nucleotide variant.
Coding change: c.1595C>T on transcript NM_019066.5 (MANE Select); coding-DNA position 1595, C replaced by T.
Protein change: p.Pro532Leu; replaces proline 532 with leucine.
Molecular consequence: missense variant.
Genome position (GRCh38, 1-based): chr15:23,646,148, G>A on the plus strand (C>T on the coding strand, the complement: MAGEL2 is on the minus strand). VCF-style: chr15-23646148-G-A. GRCh37 (hg19) VCF-style: chr15-23891295-G-A.
Other names: short protein forms P532L.
Identifiers: ClinVar variation 2779415 (VCV002779415.3), dbSNP rs1374185036, ClinGen allele CA391333718.